The following is an entry in ClinVar:

ClinVar aggregate classification (germline): Uncertain significance (1 of 4 stars; one submission).

Conditions:
Leigh syndrome (NULS). Also called: Leigh's necrotizing encephalopathy; Leigh's disease; Leigh Syndrome (mtDNA deletion); Leigh Disease; Subacute necrotizing encephalopathy; Necrotizing encephalopathy infantile subacute of Leigh. Identifiers: Orphanet 506, MedGen C2931891, MONDO:0009723, OMIM 256000.

Submission:

Wong Mito Lab, Molecular and Human Genetics, Baylor College of Medicine
Classification: Uncertain significance for Leigh syndrome. Last evaluated: 2019-10-17. Review status: criteria provided, single submitter. Criteria: Modified ACMG Guidelines (Unpublished). Collection method: clinical testing. Allele origin: germline.
Comment: The NC_012920.1:m.9099C>A (YP_003024031.1:p.Ile191Met) variant in MTATP6 gene is interpretated to be a Uncertain Significance variant based on the modified ACMG guidelines (unpublished). This variant meets the following evidence codes: PP4

NC_012920.1(MT-ATP6):m.9099C>A

Gene: MT-ATP6 (mitochondrially encoded ATP synthase 6; plus strand).
Variant type: single nucleotide variant.
Genome position: chrM-9099-C-A.
Identifiers: ClinVar variation 693090 (VCV000693090.1), dbSNP rs1603222065, ClinGen allele CA913181177.